The following is an entry in ClinVar:

ClinVar aggregate classification (germline): Conflicting classifications of pathogenicity. Review status: criteria provided, conflicting classifications (1 of 4 stars). 3 submissions from 3 submitters: Uncertain significance (1); Likely benign (1). 1 of the submissions does not count toward it. Last evaluated 2026-09-23.

Conditions:
PCDH15-related disorder. Also called: PCDH15-related condition; PCDH15-related disorders.
Usher syndrome type 1F (USH1F). Also called: USHER SYNDROME, TYPE IF. Identifiers: Orphanet 231169, Orphanet 886, MedGen C1865885, MONDO:0011186, OMIM 602083.

Submissions (3):

PreventionGenetics, part of Exact Sciences
Classification: Uncertain significance for PCDH15-related condition. Last evaluated: 2026-09-23. Review status: criteria provided, single submitter. Criteria: ACMG Guidelines, 2015. Collection method: clinical testing. Allele origin: germline.
Comment: The PCDH15 c.5275_5280del6 variant is predicted to result in an in-frame deletion (p.Pro1759_Pro1760del). This variant occurs in the last exon of the PCDH15 alternatively spliced transcript known as CD1 (NM_033056), but this exon is not required for proper inner ear hair cell function and maintenance of hearing and is deep intronic in the biologically relevant transcript for hearing loss known as CD2 (NM_001142769 c.4409+2685_4409+2690del6; Webb et al. 2011. PubMed ID: 21427143; Pepermans et al. 2014. PubMed ID: 24940003). To our knowledge, this variant has not been reported in the literature. This variant is reported in 0.0061% of alleles in individuals of Latino descent in gnomAD. Although we suspect that this variant may be benign, at this time, the clinical significance of this variant is uncertain due to the absence of conclusive functional and genetic evidence.

Labcorp Genetics (formerly Invitae), Labcorp
Classification: Likely benign. Last evaluated: 2024-12-10. Review status: criteria provided, single submitter. Criteria: Invitae Variant Classification Sherloc (09022015). Collection method: clinical testing. Allele origin: germline.

Counsyl
Classification: Uncertain significance for Usher syndrome type 1F. Last evaluated: 2017-04-11. Review status: no assertion criteria provided. Collection method: clinical testing. Allele origin: unknown. Not counted in ClinVar's aggregate classification.

NM_033056.4(PCDH15):c.5272CCT[1] (p.Pro1759_Pro1760del)

Gene: PCDH15 (protocadherin related 15; minus strand). Cytogenetic location: 10q21.1.
Variant type: Microsatellite.
Coding change: c.5272CCT[1] on transcript NM_033056.4 (MANE Plus Clinical); one copy of the 3-base unit CCT starting at c.5272; the reference has three copies in a row; two copies, 6 bases deleted.
Protein change: p.Pro1759_Pro1760del.
Molecular consequence: inframe deletion. On other transcripts: intron variant (8).
Genome position (GRCh38, 1-based): chr10:53,822,446-53,822,451, AGGAGG deleted on the plus strand (CCTCCT on the coding strand, the reverse complement: PCDH15 is on the minus strand); deleting any 6 consecutive bases within chr10:53,822,446-53,822,456 gives the same sequence; the position shown is the placement nearest the transcript's 3' end. VCF-style (leftmost placement, unchanged base first): chr10-53822445-CAGGAGG-C. GRCh37 (hg19) VCF-style: chr10-55582205-CAGGAGG-C.
Other names: c.5293CCT[1], p.Pro1766_Pro1767del (NM_001142763.2); c.5278CCT[1], p.Pro1761_Pro1762del (NM_001142764.2); c.5065CCT[1], p.Pro1690_Pro1691del (NM_001142765.2); c.5263CCT[1], p.Pro1756_Pro1757del (NM_001142766.2); c.5152CCT[1], p.Pro1719_Pro1720del (NM_001142767.2); c.5212CCT[1], p.Pro1739_Pro1740del (NM_001142768.2); c.5203CCT[1], p.Pro1736_Pro1737del (NM_001142773.2); c.5206CCT[1], p.Pro1737_Pro1738del (NM_001354404.2); and 7 more.
Identifiers: ClinVar variation 551471 (VCV000551471.10), dbSNP rs754779351, ClinGen allele CA5505081.